The following is an entry in ClinVar:

NM_015340.4(LARS2):c.2493G>T (p.Glu831Asp)

Gene: LARS2 (leucyl-tRNA synthetase 2, mitochondrial; plus strand). Cytogenetic location: 3p21.31.
Variant type: single nucleotide variant.
Coding change: c.2493G>T on transcript NM_015340.4 (MANE Select); coding-DNA position 2493, G replaced by T.
Protein change: p.Glu831Asp; replaces glutamic acid 831 with aspartic acid.
Molecular consequence: missense variant.
Genome position (GRCh38, 1-based): chr3:45,541,917, G>T. VCF-style: chr3-45541917-G-T. GRCh37 (hg19) VCF-style: chr3-45583409-G-T.
Other names: c.2493G>T, p.Glu831Asp (NM_001368263.1); short protein forms E831D.
Identifiers: ClinVar variation 218718 (VCV000218718.37), dbSNP rs9827689, ClinGen allele CA249257.

ClinVar aggregate classification (germline): Benign. Review status: criteria provided, multiple submitters, no conflicts (2 of 4 stars). 12 submissions from 12 submitters: Benign (10). 2 of the submissions do not count toward it. Last evaluated 2026-08-01.

Conditions:
Perrault syndrome 4 (PRLTS4). Identifiers: Orphanet 2855, MedGen C3809105, MONDO:0014126, OMIM 615300.
LARS2-related disorder. Also called: LARS2-related condition.

Allele frequency attached by ClinVar (database versions not stated): gnomAD exomes 0.00115 and 0.00294; ExAC 0.00362; gnomAD 0.01124 and 0.01205; TOPMed 0.01264; 1000 Genomes Project 0.01298; 1000 Genomes Project 30x 0.01312; ESP Exome Variant Server 0.01399.
gnomAD v4.1: 3,476 of 1,614,234 alleles (0.22%); highest among the groups gnomAD compares: African/African-American, 4%; 65 homozygotes.

Submissions (12):

CeGaT Center for Human Genetics Tuebingen
Classification: Benign. Last evaluated: 2026-08-01. Review status: criteria provided, single submitter. Criteria: CeGaT Center For Human Genetics Tuebingen Variant Classification Criteria Version 2. Collection method: clinical testing. Allele origin: germline. Affected: yes. Observed: 7 variant alleles.
Comment: LARS2: BP4, BS1, BS2

Labcorp Genetics (formerly Invitae), Labcorp
Classification: Benign. Last evaluated: 2026-02-04. Review status: criteria provided, single submitter. Criteria: Invitae Variant Classification Sherloc (09022015). Collection method: clinical testing. Allele origin: germline.

ARUP Laboratories, Molecular Genetics and Genomics, ARUP Laboratories
Classification: Benign. Last evaluated: 2023-11-06. Review status: criteria provided, single submitter. Criteria: ARUP Molecular Germline Variant Investigation Process 2024. Collection method: clinical testing. Allele origin: germline.

Dubai Health Genomic Medicine Center, Dubai Health
Classification: Benign for Perrault syndrome 4. Last evaluated: 2020-07-23. Review status: criteria provided, single submitter. Criteria: ACMG Guidelines, 2015. Collection method: clinical testing. Allele origin: germline. Affected: yes.

Athena Diagnostics
Classification: Benign. Last evaluated: 2018-05-25. Review status: criteria provided, single submitter. Criteria: Athena Diagnostics Criteria. Collection method: clinical testing. Allele origin: germline.

Eurofins Ntd Llc (ga)
Classification: Benign. Last evaluated: 2017-05-16. Review status: criteria provided, single submitter. Criteria: EGL Classification Definitions 2015. Collection method: clinical testing. Allele origin: germline. Observed: 1 variant allele, 1 heterozygote.

GeneDx
Classification: Benign. Last evaluated: 2016-05-03. Review status: criteria provided, single submitter. Criteria: GeneDx Variant Classification (06012015). Collection method: clinical testing. Allele origin: germline. Affected: yes.
Comment: This variant is considered likely benign or benign based on one or more of the following criteria: it is a conservative change, it occurs at a poorly conserved position in the protein, it is predicted to be benign by multiple in silico algorithms, and/or has population frequency not consistent with disease.

Genomic Diagnostic Laboratory, Division of Genomic Diagnostics, Children's Hospital of Philadelphia
Classification: Benign. Last evaluated: 2015-02-05. Review status: criteria provided, single submitter. Criteria: DGD Variant Analysis Guidelines. Collection method: clinical testing. Allele origin: unknown.

Laboratory for Molecular Medicine, Mass General Brigham Personalized Medicine
Classification: Benign. Last evaluated: 2014-11-24. Review status: criteria provided, single submitter. Criteria: LMM Criteria. Collection method: clinical testing. Allele origin: germline. Observed: 7 variant alleles.
Comment: Glu831Asp in exon 21 of LARS2: This variant is not expected to have clinical sig nificance because it has been identified in 4.1% (181/4406) of African American chromosomes from a broad population by the NHLBI Exome Sequencing Project (dbSNP rs9827689).

Breakthrough Genomics
Classification: Benign. Review status: criteria provided, single submitter. Criteria: ACMG Guidelines, 2015. Collection method: not provided. Allele origin: germline. Inheritance: Autosomal recessive inheritance. Affected: yes.

PreventionGenetics, part of Exact Sciences
Classification: Benign for LARS2-related condition. Last evaluated: 2019-07-22. Review status: no assertion criteria provided. Collection method: clinical testing. Allele origin: germline. Not counted in ClinVar's aggregate classification.
Comment: This variant is classified as benign based on ACMG/AMP sequence variant interpretation guidelines (Richards et al. 2015 PMID: 25741868, with internal and published modifications).

Mayo Clinic Laboratories, Mayo Clinic
Classification: Benign. Last evaluated: 2017-09-15. Review status: no assertion criteria provided. Collection method: clinical testing. Allele origin: unknown. Not counted in ClinVar's aggregate classification.